The following is an entry in ClinVar:

ClinVar aggregate classification (germline): Uncertain significance. Review status: criteria provided, single submitter (1 of 4 stars). 2 submissions from 2 submitters: Uncertain significance (1). 1 of the submissions does not count toward it. Last evaluated 2025-10-15.

Conditions:
SEMA3G-related disorder. Also called: SEMA3G-related condition.

gnomAD v4.1: 4 of 1,612,668 alleles (0.00025%); highest among the groups gnomAD compares: Middle Eastern, 0.034%; no homozygotes.

Submissions (2):

Ambry Genetics
Classification: Uncertain significance. Last evaluated: 2025-10-15. Review status: criteria provided, single submitter. Criteria: Ambry Variant Classification Scheme 2023. Collection method: clinical testing. Allele origin: germline.

PreventionGenetics, part of Exact Sciences
Classification: Uncertain significance for SEMA3G-related condition. Last evaluated: 2024-08-16. Review status: no assertion criteria provided. Collection method: clinical testing. Allele origin: germline. Not counted in ClinVar's aggregate classification.
Comment: The SEMA3G c.1865A>T variant is predicted to result in the amino acid substitution p.Glu622Val. To our knowledge, this variant has not been reported in the literature or in a large population database, indicating it is rare. At this time, the clinical significance of this variant is uncertain due to the absence of conclusive functional and genetic evidence.

NM_020163.3(SEMA3G):c.1865A>T (p.Glu622Val)

Gene: SEMA3G (semaphorin 3G; minus strand). Cytogenetic location: 3p21.1.
Variant type: single nucleotide variant.
Coding change: c.1865A>T on transcript NM_020163.3 (MANE Select); coding-DNA position 1865, A replaced by T.
Protein change: p.Glu622Val; replaces glutamic acid 622 with valine.
Molecular consequence: missense variant.
Genome position (GRCh38, 1-based): chr3:52,437,540, T>A on the plus strand (A>T on the coding strand, the complement: SEMA3G is on the minus strand). VCF-style: chr3-52437540-T-A. GRCh37 (hg19) VCF-style: chr3-52471556-T-A.
Other names: c.1865A>T (NM_020163.1); short protein forms E622V.
Identifiers: ClinVar variation 3358474 (VCV003358474.2).